The following is an entry in ClinVar:

ClinVar aggregate classification (germline): Uncertain significance (1 of 4 stars; one submission).

Allele frequency attached by ClinVar (database versions not stated): TOPMed below 0.00001; gnomAD 0.00001; gnomAD exomes 0.00001.
gnomAD v4.1: 14 of 1,614,116 alleles (0.00087%); highest among the groups gnomAD compares: Non-Finnish European, 0.0011%; no homozygotes.

Submission:

GeneDx
Classification: Uncertain significance. Last evaluated: 2019-12-11. Review status: criteria provided, single submitter. Criteria: GeneDx Variant Classification Process June 2021. Collection method: clinical testing. Allele origin: germline. Affected: yes.
Comment: Not observed in large population cohorts (Lek et al., 2016); In silico analysis, which includes protein predictors and evolutionary conservation, supports a deleterious effect; Has not been previously published as pathogenic or benign to our knowledge

NM_007118.4(TRIO):c.8945C>T (p.Thr2982Ile)

Gene: TRIO (trio Rho guanine nucleotide exchange factor; plus strand). Cytogenetic location: 5p15.2.
Variant type: single nucleotide variant.
Coding change: c.8945C>T on transcript NM_007118.4 (MANE Select); coding-DNA position 8945, C replaced by T.
Protein change: p.Thr2982Ile; replaces threonine 2982 with isoleucine.
Molecular consequence: missense variant. On other transcripts: non-coding transcript variant (1).
Genome position (GRCh38, 1-based): chr5:14,508,073, C>T. VCF-style: chr5-14508073-C-T. GRCh37 (hg19) VCF-style: chr5-14508182-C-T.
Other names: short protein forms T2982I.
Identifiers: ClinVar variation 1310968 (VCV001310968.2), dbSNP rs1187134596, ClinGen allele CA359241046.
Genomic context (GRCh38, chr5:14,508,073, plus strand): 5'-AAATCATCCTCGGGAACCCTGTCTCCCTGACCTCGGATACGTGGAGTGTTGGAGTGCTCA[C>T]ATACGTACTTCTTAGTGGCGTGTCCCCCTTCCTGGATGACAGTGTGGAAGAGACCTGCCT-3'
Protein context (NP_009049.2, residues 2972-2992): TSDTWSVGVL[Thr2982Ile]YVLLSGVSPF